The following is an entry in ClinVar:

ClinVar aggregate classification (germline): Uncertain significance (1 of 4 stars; one submission).

Submission:

Labcorp Genetics (formerly Invitae), Labcorp
Classification: Uncertain significance. Last evaluated: 2025-09-22. Review status: criteria provided, single submitter. Criteria: Invitae Variant Classification Sherloc (09022015). Collection method: clinical testing. Allele origin: germline.
Comment: This sequence change replaces phenylalanine, which is neutral and non-polar, with leucine, which is neutral and non-polar, at codon 331 of the TWNK protein (p.Phe331Leu). This variant is not present in population databases (gnomAD no frequency). This variant has not been reported in the literature in individuals affected with TWNK-related conditions. Invitae Evidence Modeling of protein sequence and biophysical properties (such as structural, functional, and spatial information, amino acid conservation, physicochemical variation, residue mobility, and thermodynamic stability) indicates that this missense variant is not expected to disrupt TWNK protein function with a negative predictive value of 95%. In summary, the available evidence is currently insufficient to determine the role of this variant in disease. Therefore, it has been classified as a Variant of Uncertain Significance.

NM_021830.5(TWNK):c.991T>C (p.Phe331Leu)

Gene: TWNK (twinkle mtDNA helicase; plus strand). Cytogenetic location: 10q24.31.
Variant type: single nucleotide variant.
Coding change: c.991T>C on transcript NM_021830.5 (MANE Select); coding-DNA position 991, T replaced by C.
Protein change: p.Phe331Leu; replaces phenylalanine 331 with leucine.
Molecular consequence: missense variant. On other transcripts: non-coding transcript variant (4), intron variant (3).
Genome position (GRCh38, 1-based): chr10:100,989,201, T>C. VCF-style: chr10-100989201-T-C. GRCh37 (hg19) VCF-style: chr10-102748958-T-C.
Other names: c.991T>C, p.Phe331Leu (NM_001163812.2); c.-119-443T>C (NM_001163814.2, NM_001163813.2); c.-57-505T>C (NM_001368275.1); short protein forms F331L.
Identifiers: ClinVar variation 4779851 (VCV004779851.1).
Genomic context (GRCh38, chr10:100,989,201, plus strand): 5'-GACCTTCGGTCCTGGGAAGCCGCCAAGTTGTTTGCACGAAAACTGAACCCCAAACGATGC[T>C]TCTTGGTGCGACCAGGAGACCAGCAACCCCGTCCCCTGGAGGCCCTGAACGGAGGCTTCA-3'
Protein context (NP_068602.2, residues 321-341): FARKLNPKRC[Phe331Leu]LVRPGDQQPR